The following is an entry in ClinVar:

ClinVar aggregate classification (germline): Uncertain significance (1 of 4 stars; one submission).

Conditions:
Hereditary cancer-predisposing syndrome. Also called: Neoplastic Syndromes, Hereditary; Tumor predisposition; Hereditary Cancer Syndrome; Hereditary neoplastic syndrome. Identifiers: Orphanet 140162, MedGen C0027672, MeSH D009386, MONDO:0015356.

Submission:

Ambry Genetics
Classification: Uncertain significance for Hereditary cancer-predisposing syndrome. Last evaluated: 2025-09-02. Review status: criteria provided, single submitter. Criteria: Ambry Variant Classification Scheme 2023. Collection method: clinical testing. Allele origin: germline.
Comment: The p.S239C variant (also known as c.716C>G), located in coding exon 6 of the SMARCB1 gene, results from a C to G substitution at nucleotide position 716. The serine at codon 239 is replaced by cysteine, an amino acid with dissimilar properties. This amino acid position is conserved. In addition, the in silico prediction for this alteration is inconclusive. Based on the available evidence, the clinical significance of this variant remains unclear.

NM_003073.5(SMARCB1):c.716C>G (p.Ser239Cys)

Gene: SMARCB1 (SWI/SNF related BAF chromatin remodeling complex subunit B1; plus strand). Cytogenetic location: 22q11.23.
Variant type: single nucleotide variant.
Coding change: c.716C>G on transcript NM_003073.5 (MANE Select); coding-DNA position 716, C replaced by G.
Protein change: p.Ser239Cys; replaces serine 239 with cysteine.
Molecular consequence: missense variant.
Genome position (GRCh38, 1-based): chr22:23,816,857, C>G. VCF-style: chr22-23816857-C-G. GRCh37 (hg19) VCF-style: chr22-24159044-C-G.
Other names: c.689C>G, p.Ser230Cys (NM_001007468.3); c.743C>G, p.Ser248Cys (NM_001317946.2); c.770C>G, p.Ser257Cys (NM_001362877.2); short protein forms S230C, S248C, S257C, S239C.
Identifiers: ClinVar variation 4170254 (VCV004170254.1).